The following is an entry in ClinVar:

ClinVar aggregate classification (germline): Likely benign. Review status: criteria provided, multiple submitters, no conflicts (2 of 4 stars). 4 submissions from 4 submitters: Likely benign (3). 1 of the submissions does not count toward it. Last evaluated 2024-10-22.

Conditions:
MKS1-related disorder. Also called: MKS1-related condition; MKS1-related disorders. Identifiers: MedGen CN239382.

Allele frequency attached by ClinVar (database versions not stated): ESP Exome Variant Server 0.00165; TOPMed 0.00178; 1000 Genomes Project 0.00200; 1000 Genomes Project 30x 0.00234.
gnomAD v4.1: 1,043 of 1,549,162 alleles (0.067%); highest among the groups gnomAD compares: African/African-American, 0.55%; 3 homozygotes.

Submissions (4):

Blueprint Genetics
Classification: Likely benign. Last evaluated: 2024-10-22. Review status: criteria provided, single submitter. Criteria: ACMG Guidelines, 2015. Collection method: clinical testing. Allele origin: germline.

GeneDx
Classification: Likely benign. Last evaluated: 2018-02-09. Review status: criteria provided, single submitter. Criteria: GeneDx Variant Classification (06012015). Collection method: clinical testing. Allele origin: germline. Affected: yes.
Comment: This variant is considered likely benign or benign based on one or more of the following criteria: it is a conservative change, it occurs at a poorly conserved position in the protein, it is predicted to be benign by multiple in silico algorithms, and/or has population frequency not consistent with disease.

Breakthrough Genomics
Classification: Likely benign. Review status: criteria provided, single submitter. Criteria: ACMG Guidelines, 2015. Collection method: not provided. Allele origin: germline. Inheritance: Autosomal recessive inheritance. Affected: yes.

PreventionGenetics, part of Exact Sciences
Classification: Likely benign for MKS1-related condition. Last evaluated: 2021-03-10. Review status: no assertion criteria provided. Collection method: clinical testing. Allele origin: germline. Not counted in ClinVar's aggregate classification.
Comment: This variant is classified as likely benign based on ACMG/AMP sequence variant interpretation guidelines (Richards et al. 2015 PMID: 25741868, with internal and published modifications).

NM_017777.4(MKS1):c.-20C>T

Genes: MKS1 (MKS transition zone complex subunit 1; minus strand), LOC130061271 (ATAC-STARR-seq lymphoblastoid active region 12461; plus strand). Cytogenetic location: 17q22.
Variant type: single nucleotide variant.
Coding change: c.-20C>T on transcript NM_017777.4 (MANE Select); 20 bases upstream of the start codon, C replaced by T.
Molecular consequence: 5 prime UTR variant.
Genome position (GRCh38, 1-based): chr17:58,219,250, G>A on the plus strand (C>T on the coding strand, the complement: MKS1 is on the minus strand). VCF-style: chr17-58219250-G-A. GRCh37 (hg19) VCF-style: chr17-56296611-G-A.
Other names: NM_001165927.1:c.50+212C>T; c.-531C>T (NM_001321268.2); c.-20C>T (NM_001321269.2, NM_001330397.2).
Identifiers: ClinVar variation 516267 (VCV000516267.5), dbSNP rs115507363, ClinGen allele CA8669675.